The following is an entry in ClinVar:

NM_005235.3(ERBB4):c.2123C>T (p.Ala708Val)

Gene: ERBB4 (erb-b2 receptor tyrosine kinase 4; minus strand). Cytogenetic location: 2q34.
Variant type: single nucleotide variant.
Coding change: c.2123C>T on transcript NM_005235.3 (MANE Select); coding-DNA position 2123, C replaced by T.
Protein change: p.Ala708Val; replaces alanine 708 with valine.
Molecular consequence: missense variant.
Genome position (GRCh38, 1-based): chr2:211,624,001, G>A on the plus strand (C>T on the coding strand, the complement: ERBB4 is on the minus strand). VCF-style: chr2-211624001-G-A. GRCh37 (hg19) VCF-style: chr2-212488726-G-A.
Other names: c.2123C>T, p.Ala708Val (NM_001042599.2); short protein forms A708V.
Identifiers: ClinVar variation 2816640 (VCV002816640.3), dbSNP rs755916651, ClinGen allele CA2087838.

ClinVar aggregate classification (germline): Uncertain significance (1 of 4 stars; one submission).

Allele frequency attached by ClinVar (database versions not stated): gnomAD exomes below 0.00001; TOPMed below 0.00001; ExAC 0.00002.
gnomAD v4.1: 2 of 1,614,072 alleles (0.00012%); highest among the groups gnomAD compares: Admixed American, 0.0033%; no homozygotes.

Submission:

Labcorp Genetics (formerly Invitae), Labcorp
Classification: Uncertain significance. Last evaluated: 2023-01-02. Review status: criteria provided, single submitter. Criteria: Invitae Variant Classification Sherloc (09022015). Collection method: clinical testing. Allele origin: germline.
Comment: Advanced modeling of protein sequence and biophysical properties (such as structural, functional, and spatial information, amino acid conservation, physicochemical variation, residue mobility, and thermodynamic stability) performed at Invitae indicates that this missense variant is not expected to disrupt ERBB4 protein function. In summary, the available evidence is currently insufficient to determine the role of this variant in disease. Therefore, it has been classified as a Variant of Uncertain Significance. This sequence change replaces alanine, which is neutral and non-polar, with valine, which is neutral and non-polar, at codon 708 of the ERBB4 protein (p.Ala708Val). This variant is present in population databases (rs755916651, gnomAD 0.003%). This variant has not been reported in the literature in individuals affected with ERBB4-related conditions.